The following is an entry in ClinVar:

ClinVar aggregate classification (germline): Benign/Likely benign. Review status: criteria provided, multiple submitters, no conflicts (2 of 4 stars). 4 submissions from 4 submitters: Benign (1); Likely benign (2). 1 of the submissions does not count toward it. Last evaluated 2026-01-28.

Conditions:
ANK3-related disorder. Also called: ANK3-related condition.

Allele frequency attached by ClinVar (database versions not stated): gnomAD exomes 0.00110 and 0.00290; ExAC 0.00337; 1000 Genomes Project 0.00978; gnomAD 0.01016 and 0.01085; 1000 Genomes Project 30x 0.01124; TOPMed 0.01153; ESP Exome Variant Server 0.01161.
gnomAD v4.1: 3,210 of 1,614,014 alleles (0.2%); highest among the groups gnomAD compares: African/African-American, 3.5%; 48 homozygotes.

Submissions (4):

Labcorp Genetics (formerly Invitae), Labcorp
Classification: Benign. Last evaluated: 2026-01-28. Review status: criteria provided, single submitter. Criteria: Invitae Variant Classification Sherloc (09022015). Collection method: clinical testing. Allele origin: germline.

Center for Pediatric Genomic Medicine, Children's Mercy Hospital and Clinics
Classification: Likely benign. Last evaluated: 2017-05-03. Review status: criteria provided, single submitter. Criteria: ACMG Guidelines, 2015. Collection method: clinical testing. Allele origin: germline.

Breakthrough Genomics
Classification: Likely benign. Review status: criteria provided, single submitter. Criteria: ACMG Guidelines, 2015. Collection method: not provided. Allele origin: germline. Inheritance: Autosomal recessive inheritance. Affected: yes.

PreventionGenetics, part of Exact Sciences
Classification: Benign for ANK3-related condition. Last evaluated: 2020-10-21. Review status: no assertion criteria provided. Collection method: clinical testing. Allele origin: germline. Not counted in ClinVar's aggregate classification.
Comment: This variant is classified as benign based on ACMG/AMP sequence variant interpretation guidelines (Richards et al. 2015 PMID: 25741868, with internal and published modifications).

NM_020987.5(ANK3):c.10953A>C (p.Lys3651Asn)

Gene: ANK3 (ankyrin 3; minus strand). Cytogenetic location: 10q21.2.
Variant type: single nucleotide variant.
Coding change: c.10953A>C on transcript NM_020987.5 (MANE Select); coding-DNA position 10953, A replaced by C.
Protein change: p.Lys3651Asn; replaces lysine 3651 with asparagine.
Molecular consequence: missense variant. On other transcripts: intron variant (4).
Genome position (GRCh38, 1-based): chr10:60,069,928, T>G on the plus strand (A>C on the coding strand, the complement: ANK3 is on the minus strand). VCF-style: chr10-60069928-T-G. GRCh37 (hg19) VCF-style: chr10-61829686-T-G.
Other names: c.4388-1919A>C (NM_001204403.2); c.4409-1919A>C (NM_001204404.2); c.4406-1919A>C (NM_001320874.2); c.1808-1919A>C (NM_001149.4); short protein forms K3651N.
Identifiers: ClinVar variation 445527 (VCV000445527.15), dbSNP rs115903343, ClinGen allele CA5511183.